The following is an entry in ClinVar:

ClinVar aggregate classification (germline): Uncertain significance (1 of 4 stars; one submission).

Conditions:
Mitochondrial hypertrophic cardiomyopathy with lactic acidosis due to MTO1 deficiency. Also called: Combined oxidative phosphorylation deficiency 10; CARDIOMYOPATHY, INFANTILE HYPERTROPHIC MITOCHONDRIAL, AND LACTIC ACIDOSIS. Identifiers: Orphanet 314637, MedGen C4749921, MONDO:0013865, OMIM 614702.

Submission:

Labcorp Genetics (formerly Invitae), Labcorp
Classification: Uncertain significance for Combined oxidative phosphorylation deficiency 10. Last evaluated: 2018-10-18. Review status: criteria provided, single submitter. Criteria: Invitae Variant Classification Sherloc (09022015). Collection method: clinical testing. Allele origin: germline.
Comment: This variant results in a copy number gain of the genomic region encompassing exons 1-10 of the MTO1 gene. The 5' end of this event is unknown as it extends beyond the assayed region for this gene and therefore may encompass additional genes. The 3' boundary is likely confined to intron 10 of the MTO1 gene. As the precise location of this event is unknown, it may be in tandem or it may be located elsewhere in the genome. This variant has not been reported in the literature in individuals with MTO1-related disease. In summary, the available evidence is currently insufficient to determine the role of this variant in disease. Therefore, it has been classified as a Variant of Uncertain Significance.

NC_000006.11:g.(?_74171568)_(74202085_?)dup

Genes: MTO1 (mitochondrial tRNA translation optimization 1; plus strand), LOC129996722 (ATAC-STARR-seq lymphoblastoid active region 24747; plus strand). Cytogenetic location: 6q13.
Variant type: Duplication.
Identifiers: ClinVar variation 641565 (VCV000641565.1).